The following is an entry in ClinVar:

ClinVar aggregate classification (germline): Uncertain significance. Review status: criteria provided, multiple submitters, no conflicts (2 of 4 stars). 2 submissions from 2 submitters: Uncertain significance (2). Last evaluated 2025-04-10.

Conditions:
Hypertrophic cardiomyopathy. Also called: HYPERTROPHIC MYOCARDIOPATHY. Identifiers: Orphanet 217569, MedGen C0007194, MeSH D002312, MONDO:0005045, HP:0001639.

Submissions (2):

Labcorp Genetics (formerly Invitae), Labcorp
Classification: Uncertain significance for Hypertrophic cardiomyopathy. Last evaluated: 2025-04-10. Review status: criteria provided, single submitter. Criteria: Invitae Variant Classification Sherloc (09022015). Collection method: clinical testing. Allele origin: germline.
Comment: This sequence change creates a premature translational stop signal (p.Val919*) in the MYH7 gene. It is expected to result in an absent or disrupted protein product. However, the current clinical and genetic evidence is not sufficient to establish whether loss-of-function variants in MYH7 cause disease. This variant is not present in population databases (gnomAD no frequency). This premature translational stop signal has been observed in individual(s) with MYH7-related conditions (PMID: 25163546, 33019804). ClinVar contains an entry for this variant (Variation ID: 3073632). In summary, the available evidence is currently insufficient to determine the role of this variant in disease. Therefore, it has been classified as a Variant of Uncertain Significance.

All of Us Research Program, National Institutes of Health
Classification: Uncertain significance for Hypertrophic cardiomyopathy. Last evaluated: 2023-10-02. Review status: criteria provided, single submitter. Criteria: ACMG Guidelines, 2015. Collection method: clinical testing. Allele origin: germline. Inheritance: Autosomal dominant inheritance. Observed: 1 variant allele, 1 heterozygote.
Comment: This study involves interpretation of variants in research participants for the purpose of population health screening. Participant phenotype was not available at the time of variant classification. Additional details can be found in publication PMID: 35346344, PMCID: PMC8962531

Literature cited by the submitters: PubMed 25163546 (cited by Labcorp Genetics (formerly Invitae), Labcorp); PubMed 33019804 (cited by Labcorp Genetics (formerly Invitae), Labcorp).

NM_000257.4(MYH7):c.2755del (p.Lys918_Val919insTer)

Gene: MYH7 (myosin heavy chain 7; minus strand). Cytogenetic location: 14q11.2.
Variant type: Deletion.
Coding change: c.2755del on transcript NM_000257.4 (MANE Select); coding-DNA position 2755, one base deleted (G; older notation c.2755delG).
Protein change: p.Lys918_Val919insTer.
Molecular consequence: nonsense.
Genome position (GRCh38, 1-based): chr14:23,424,074, C deleted on the plus strand (G on the coding strand, the reverse complement: MYH7 is on the minus strand); the first of 2 consecutive C bases (chr14:23,424,074-23,424,075); deleting either gives the same sequence. VCF-style (leftmost placement, unchanged base first): chr14-23424073-AC-A. GRCh37 (hg19) VCF-style: chr14-23893282-AC-A.
Other names: c.2755del, p.Lys918_Val919insTer (NM_001407004.1).
Identifiers: ClinVar variation 3073632 (VCV003073632.2), dbSNP rs1422050463, ClinGen allele CA704292254.